The following is an entry in ClinVar:

ClinVar aggregate classification (germline): Conflicting classifications of pathogenicity. Review status: criteria provided, conflicting classifications (1 of 4 stars). 4 submissions from 4 submitters: Uncertain significance (3); Benign (1). Last evaluated 2025-12-08.

Conditions:
Hereditary cancer-predisposing syndrome. Also called: Hereditary neoplastic syndrome; Neoplastic Syndromes, Hereditary; Tumor predisposition; Hereditary Cancer Syndrome. Identifiers: Orphanet 140162, MedGen C0027672, MeSH D009386, MONDO:0015356.
Tuberous sclerosis syndrome (TSC). Also called: Tuberous Sclerosis Complex; Tuberous sclerosis. Identifiers: Orphanet 805, MedGen C0041341, MONDO:0001734.
Tuberous sclerosis 2 (TSC2). Identifiers: Orphanet 805, MedGen C1860707, MONDO:0013199, OMIM 613254.

Allele frequency attached by ClinVar (database versions not stated): gnomAD exomes below 0.00001.
gnomAD v4.1: 5 of 1,613,934 alleles (0.00031%); highest among the groups gnomAD compares: Non-Finnish European, 0.00042%; no homozygotes.

Submissions (4):

Labcorp Genetics (formerly Invitae), Labcorp
Classification: Benign for Tuberous sclerosis 2. Last evaluated: 2025-12-08. Review status: criteria provided, single submitter. Criteria: Invitae Variant Classification Sherloc (09022015). Collection method: clinical testing. Allele origin: germline.

Color Diagnostics, LLC DBA Color Health
Classification: Uncertain significance for Tuberous sclerosis syndrome. Last evaluated: 2025-07-11. Review status: criteria provided, single submitter. Criteria: ACMG Guidelines, 2015. Collection method: clinical testing. Allele origin: germline.
Comment: This missense variant replaces isoleucine with valine at codon 360 of the TSC2 protein. Computational prediction suggests that this variant may not impact protein structure and function. To our knowledge, functional studies have not been reported for this variant. This variant has not been reported in individuals affected with TSC2-related disorders in the literature. This variant has not been identified in the general population by the Genome Aggregation Database (gnomAD). The available evidence is insufficient to determine the role of this variant in disease conclusively. Therefore, this variant is classified as a Variant of Uncertain Significance.

Ambry Genetics
Classification: Uncertain significance for Hereditary cancer-predisposing syndrome. Last evaluated: 2024-09-10. Review status: criteria provided, single submitter. Criteria: Ambry Variant Classification Scheme 2023. Collection method: clinical testing. Allele origin: germline.
Comment: The p.I360V variant (also known as c.1078A>G), located in coding exon 10 of the TSC2 gene, results from an A to G substitution at nucleotide position 1078. The isoleucine at codon 360 is replaced by valine, an amino acid with highly similar properties. This amino acid position is not well conserved in available vertebrate species. In addition, this alteration is predicted to be tolerated by in silico analysis. Based on the available evidence, the clinical significance of this variant remains unclear.

Sema4
Classification: Uncertain significance for Hereditary cancer-predisposing syndrome. Last evaluated: 2021-10-11. Review status: criteria provided, single submitter. Criteria: Sema4 Curation Guidelines. Collection method: curation. Allele origin: germline.
Comment: To the best of our knowledge, the TSC2 c.1078A>G (p.I360V) variant has not been reported in individuals with TSC2-related disease. It was not observed in the large and broad cohorts of the Genome Aggregation Database (PMID: 32461654). The variant has been reported in ClinVar (Variation ID 467842). Functional studies have not been performed, and in silico predictions of the variant's effect on protein function are inconclusive. The evidence is insufficient to meet ACMG/AMP criteria for classifying the variant as benign or pathogenic. Thus, the clinical significance of this variant is currently uncertain.

NM_000548.5(TSC2):c.1078A>G (p.Ile360Val)

Gene: TSC2 (TSC complex subunit 2; plus strand). Cytogenetic location: 16p13.3.
Variant type: single nucleotide variant.
Coding change: c.1078A>G on transcript NM_000548.5 (MANE Select); coding-DNA position 1078, A replaced by G.
Protein change: p.Ile360Val; replaces isoleucine 360 with valine.
Molecular consequence: missense variant.
Genome position (GRCh38, 1-based): chr16:2,060,772, A>G. VCF-style: chr16-2060772-A-G. GRCh37 (hg19) VCF-style: chr16-2110773-A-G.
Other names: c.1078A>G, p.Ile360Val (NM_001077183.3, NM_001114382.3, NM_001363528.2 and 3 more transcripts); c.967A>G, p.Ile323Val (NM_001318827.2); c.931A>G, p.Ile311Val (NM_001318829.2); c.478A>G, p.Ile160Val (NM_001318831.2); c.1111A>G, p.Ile371Val (NM_001318832.2); short protein forms I360V, I311V, I160V, I323V, I371V.
Identifiers: ClinVar variation 467842 (VCV000467842.13), dbSNP rs1555500560, ClinGen allele CA394318052.